The following is an entry in ClinVar:

NM_001080517.3(SETD5):c.2322dup (p.Gly775fs)

Gene: SETD5 (SET domain containing 5; plus strand). Cytogenetic location: 3p25.3.
Variant type: Duplication.
Coding change: c.2322dup on transcript NM_001080517.3 (MANE Select); coding-DNA position 2322, one base duplicated (T; older notation c.2322dupT).
Protein change: p.Gly775fs; shifts the reading frame from glycine 775.
Molecular consequence: frameshift variant.
Genome position (GRCh38, 1-based): chr3:9,448,606, T duplicated. VCF-style (leftmost placement, unchanged base first): chr3-9448605-A-AT. GRCh37 (hg19) VCF-style: chr3-9490289-A-AT.
Other names: c.2028dup, p.Gly677fs (NM_001292043.2, NM_001349451.2); c.2418dup, p.Gly807fs (NM_001437633.1); c.2379dup, p.Gly794fs (NM_001437635.1); c.2322dup, p.Gly775fs (NM_001437643.1); c.2361dup, p.Gly788fs (NM_001437701.1); short protein forms G677fs, G775fs, G794fs, G788fs, G807fs.
Identifiers: ClinVar variation 4526368 (VCV004526368.1).
Genomic context (GRCh38, chr3:9,448,605, plus strand): 5'-ACTACATTCGCTTTGGCTCACCCTTTATCCCTGAGAGACGTCGAAGGCCCCTTCTGCCTG[A>AT]TGGCACATTCAGCTCCTGTAAGAAGGTATGTCTGTGTTTTTGTGTGTGTGTTGTGTTTAT-3'

ClinVar aggregate classification (germline): Pathogenic (1 of 4 stars; one submission).

Submission:

Centre of Medical Genetics, University Hospital Muenster
Classification: Pathogenic. Last evaluated: 2024-12-05. Review status: criteria provided, single submitter. Criteria: ACMG Guidelines, 2015. Collection method: clinical testing. Allele origin: unknown. Affected: yes. Observed: 1 variant allele, 1 heterozygote.
Comment: ACMG categories: PVS1,PM2